The following is an entry in ClinVar:

ClinVar aggregate classification (germline): Uncertain significance (1 of 4 stars; one submission).

Conditions:
Tuberous sclerosis 1 (TSC1). Identifiers: Orphanet 805, MedGen C1854465, MONDO:0008612, OMIM 191100.

Submission:

Labcorp Genetics (formerly Invitae), Labcorp
Classification: Uncertain significance for Tuberous sclerosis 1. Last evaluated: 2023-12-04. Review status: criteria provided, single submitter. Criteria: Invitae Variant Classification Sherloc (09022015). Collection method: clinical testing. Allele origin: germline.
Comment: This sequence change replaces leucine, which is neutral and non-polar, with valine, which is neutral and non-polar, at codon 695 of the TSC1 protein (p.Leu695Val). This variant is not present in population databases (gnomAD no frequency). This variant has not been reported in the literature in individuals affected with TSC1-related conditions. Advanced modeling of protein sequence and biophysical properties (such as structural, functional, and spatial information, amino acid conservation, physicochemical variation, residue mobility, and thermodynamic stability) performed at Invitae indicates that this missense variant is not expected to disrupt TSC1 protein function with a negative predictive value of 95%. In summary, the available evidence is currently insufficient to determine the role of this variant in disease. Therefore, it has been classified as a Variant of Uncertain Significance.

NM_000368.5(TSC1):c.2083T>G (p.Leu695Val)

Gene: TSC1 (TSC complex subunit 1; minus strand). Cytogenetic location: 9q34.13.
Variant type: single nucleotide variant.
Coding change: c.2083T>G on transcript NM_000368.5 (MANE Select); coding-DNA position 2083, T replaced by G.
Protein change: p.Leu695Val; replaces leucine 695 with valine.
Molecular consequence: missense variant. On other transcripts: non-coding transcript variant (4).
Genome position (GRCh38, 1-based): chr9:132,903,776, A>C on the plus strand (T>G on the coding strand, the complement: TSC1 is on the minus strand). VCF-style: chr9-132903776-A-C. GRCh37 (hg19) VCF-style: chr9-135779163-A-C.
Other names: c.1720T>G, p.Leu574Val (NM_001406624.1, NM_001362177.2, NM_001406614.1 and 5 more transcripts); c.1717T>G, p.Leu573Val (NM_001406625.1, NM_001406620.1, NM_001406621.1 and 2 more transcripts); c.1132T>G, p.Leu378Val (NM_001406626.1); c.1129T>G, p.Leu377Val (NM_001406627.1, NM_001406628.1); c.1030T>G, p.Leu344Val (NM_001406629.1, NM_001406630.1); c.2080T>G, p.Leu694Val (NM_001162426.2, NM_001406608.1, NM_001406609.1 and 4 more transcripts); c.1930T>G, p.Leu644Val (NM_001162427.2, NM_001406610.1); c.2083T>G, p.Leu695Val (NM_001406592.1, NM_001406593.1, NM_001406594.1 and 5 more transcripts); and 3 more; short protein forms L378V, L689V, L690V, L695V, L643V, L644V, L694V, L344V.
Identifiers: ClinVar variation 2700944 (VCV002700944.3), dbSNP rs2131771425, ClinGen allele CA375361092.